The following is an entry in ClinVar:

ClinVar aggregate classification (germline): Uncertain significance (1 of 4 stars; one submission).

Conditions:
Rubinstein-Taybi syndrome due to EP300 haploinsufficiency. Also called: RUBINSTEIN-TAYBI SYNDROME 2; EP300-Related Rubinstein-Taybi Syndrome. Identifiers: Orphanet 353284, Orphanet 783, MedGen C3150941, MONDO:0013364, OMIM 613684.

Submission:

Molecular Genetics, Royal Melbourne Hospital
Classification: Uncertain significance for Rubinstein-Taybi syndrome due to EP300 haploinsufficiency. Last evaluated: 2024-11-04. Review status: criteria provided, single submitter. Criteria: ACMG Guidelines, 2015. Collection method: clinical testing. Allele origin: germline. Inheritance: Autosomal dominant inheritance. Affected: yes.
Comment: This sequence change in EP300 is a frameshift variant predicted to create a premature stop codon, p.(Tyr1668Thrfs*41); in the final exon, which is expected to escape nonsense-mediated decay but remove approximately 30% (>10%) of the total protein length, in a gene where loss-of-function is an established disease mechanism (PMID: 20301699). This variant is absent from the population database gnomAD v4.1, but similar variants in this region are present at low frequencies. To our knowledge, this variant is novel and has not been previously reported in the relevant scientific literature or databases. A number of missense and loss-of-function variants downstream of the predicted premature stop codon have been called (likely) pathogenic (ClinVar). Based on the classification scheme RMH Modified ACMG/AMP Guidelines v1.7.0, this variant is classified as a VARIANT OF UNCERTAIN SIGNIFICANCE. Following criteria are met: PVS1_Strong, PM2_Supporting.

Literature cited by the submitters: PubMed 20301699.

NM_001429.4(EP300):c.5001del (p.Tyr1668fs)

Gene: EP300 (EP300 lysine acetyltransferase; plus strand). Cytogenetic location: 22q13.2.
Variant type: Deletion.
Coding change: c.5001del on transcript NM_001429.4 (MANE Select); coding-DNA position 5001, one base deleted (C; older notation c.5001delC).
Protein change: p.Tyr1668fs; shifts the reading frame from tyrosine 1668.
Molecular consequence: frameshift variant.
Genome position (GRCh38, 1-based): chr22:41,176,468, C deleted. VCF-style (leftmost placement, unchanged base first): chr22-41176467-TC-T. GRCh37 (hg19) VCF-style: chr22-41572471-TC-T.
Other names: c.4923del, p.Tyr1642fs (NM_001362843.2); c.5001delC (NM_001429.4); short protein forms Y1642fs, Y1668fs.
Identifiers: ClinVar variation 3773745 (VCV003773745.1).